The following is an entry in ClinVar:

NM_003079.5(SMARCE1):c.1172G>C (p.Ser391Thr)

Gene: SMARCE1 (SWI/SNF related BAF chromatin remodeling complex subunit E1; minus strand). Cytogenetic location: 17q21.2.
Variant type: single nucleotide variant.
Coding change: c.1172G>C on transcript NM_003079.5 (MANE Select); coding-DNA position 1172, G replaced by C.
Protein change: p.Ser391Thr; replaces serine 391 with threonine.
Molecular consequence: missense variant.
Genome position (GRCh38, 1-based): chr17:40,628,849, C>G on the plus strand (G>C on the coding strand, the complement: SMARCE1 is on the minus strand). VCF-style: chr17-40628849-C-G. GRCh37 (hg19) VCF-style: chr17-38785101-C-G.
Other names: short protein forms S391T.
Identifiers: ClinVar variation 949118 (VCV000949118.9), dbSNP rs1298633600, ClinGen allele CA399361024.
Genomic context (GRCh38, chr17:40,628,849, plus strand): 5'-TCTTTTTTCTCATCTTCTGGTATGGGATCTGTTGGTGGCTCCTCCACTGTTGCACTGTTG[C>G]TCTCCGAGCCAGTGTTACTATCACTGGTTCCTTCCTCTGCCATACTGTCGACCCCCTCCT-3'
Protein context (NP_003070.3, residues 381-401): GTSDSNTGSE[Ser391Thr]NSATVEEPPT

ClinVar aggregate classification (germline): Uncertain significance (1 of 4 stars; one submission).

Conditions:
Familial meningioma. Also called: Meningioma, familial, susceptibility to. Identifiers: Orphanet 263662, MedGen C3551915, MONDO:0011789, OMIM 607174.

Submission:

Labcorp Genetics (formerly Invitae), Labcorp
Classification: Uncertain significance for Familial meningioma. Last evaluated: 2025-07-31. Review status: criteria provided, single submitter. Criteria: Invitae Variant Classification Sherloc (09022015). Collection method: clinical testing. Allele origin: germline.
Comment: This sequence change replaces serine, which is neutral and polar, with threonine, which is neutral and polar, at codon 391 of the SMARCE1 protein (p.Ser391Thr). This variant is not present in population databases (gnomAD no frequency). This variant has not been reported in the literature in individuals affected with SMARCE1-related conditions. ClinVar contains an entry for this variant (Variation ID: 949118). An algorithm developed to predict the effect of missense changes on protein structure and function (PolyPhen-2) suggests that this variant is likely to be disruptive. In summary, the available evidence is currently insufficient to determine the role of this variant in disease. Therefore, it has been classified as a Variant of Uncertain Significance.